The following is an entry in ClinVar:

ClinVar aggregate classification (germline): Uncertain significance. Review status: criteria provided, multiple submitters, no conflicts (2 of 4 stars). 3 submissions from 3 submitters: Uncertain significance (3). Last evaluated 2025-08-06.

Conditions:
Familial hypocalciuric hypercalcemia (FHH). Also called: Familial benign hypercalcemia. Identifiers: Orphanet 405, MedGen C1809471, MONDO:0018458.
Autosomal dominant hypocalcemia 1 (HYPOC1). Also called: HYPOCALCEMIA, FAMILIAL. Identifiers: MedGen C3715128, MONDO:0011013, OMIM 601198.
Nephrolithiasis/nephrocalcinosis. Identifiers: MedGen CN580796.
Familial hypocalciuric hypercalcemia 1. Also called: Hypercalcemia, familial benign type 1. Identifiers: Orphanet 405, Orphanet 93372, MedGen C0342637, MONDO:0007791, OMIM 145980.
Neonatal severe primary hyperparathyroidism. Identifiers: Orphanet 417, MedGen C1832615, MONDO:0009397, OMIM 239200.
Epilepsy, idiopathic generalized, susceptibility to, 8. Identifiers: MedGen C2752062, MONDO:0013032, OMIM 612899.

gnomAD v4.1: 3 of 1,614,068 alleles (0.00019%); highest among the groups gnomAD compares: African/African-American, 0.0027%; no homozygotes.

Submissions (3):

Labcorp Genetics (formerly Invitae), Labcorp
Classification: Uncertain significance for Familial hypocalciuric hypercalcemia; Autosomal dominant hypocalcemia 1. Last evaluated: 2025-08-06. Review status: criteria provided, single submitter. Criteria: Invitae Variant Classification Sherloc (09022015). Collection method: clinical testing. Allele origin: germline.
Comment: This sequence change replaces arginine, which is basic and polar, with serine, which is neutral and polar, at codon 701 of the CASR protein (p.Arg701Ser). This variant is not present in population databases (gnomAD no frequency). This variant has not been reported in the literature in individuals affected with CASR-related conditions. ClinVar contains an entry for this variant (Variation ID: 1426376). An algorithm developed to predict the effect of missense changes on protein structure and function (PolyPhen-2) suggests that this variant is likely to be disruptive. In summary, the available evidence is currently insufficient to determine the role of this variant in disease. Therefore, it has been classified as a Variant of Uncertain Significance.

Ambry Genetics
Classification: Uncertain significance for Nephrolithiasis/nephrocalcinosis. Last evaluated: 2021-10-15. Review status: criteria provided, single submitter. Criteria: Ambry Variant Classification Scheme 2023. Collection method: clinical testing. Allele origin: germline.
Comment: The p.R701S variant (also known as c.2101C>A), located in coding exon 6 of the CASR gene, results from a C to A substitution at nucleotide position 2101. The arginine at codon 701 is replaced by serine, an amino acid with dissimilar properties. This amino acid position is conserved. In addition, this alteration is predicted to be deleterious by in silico analysis. Since supporting evidence is limited at this time, the clinical significance of this alteration remains unclear.

Fulgent Genetics
Classification: Uncertain significance for Familial hypocalciuric hypercalcemia 1; Neonatal severe primary hyperparathyroidism; Autosomal dominant hypocalcemia 1; Epilepsy, idiopathic generalized, susceptibility to, 8. Last evaluated: 2021-07-08. Review status: criteria provided, single submitter. Criteria: ACMG Guidelines, 2015. Collection method: clinical testing. Allele origin: unknown.

NM_000388.4(CASR):c.2101C>A (p.Arg701Ser)

Gene: CASR (calcium sensing receptor; plus strand). Cytogenetic location: 3q21.1.
Variant type: single nucleotide variant.
Coding change: c.2101C>A on transcript NM_000388.4 (MANE Select); coding-DNA position 2101, C replaced by A.
Protein change: p.Arg701Ser; replaces arginine 701 with serine.
Molecular consequence: missense variant.
Genome position (GRCh38, 1-based): chr3:122,284,055, C>A. VCF-style: chr3-122284055-C-A. GRCh37 (hg19) VCF-style: chr3-122002902-C-A.
Other names: c.2131C>A, p.Arg711Ser (NM_001178065.2); short protein forms R701S, R711S.
Identifiers: ClinVar variation 1426376 (VCV001426376.11), dbSNP rs757302986, ClinGen allele CA354158545.
Genomic context (GRCh38, chr3:122,284,055, plus strand): 5'-CAGCCGGCCTTTGGCATCAGCTTCGTGCTCTGCATCTCATGCATCCTGGTGAAAACCAAC[C>A]GTGTCCTCCTGGTGTTTGAGGCCAAGATCCCCACCAGCTTCCACCGCAAGTGGTGGGGGC-3'
Protein context (NP_000379.3, residues 691-711): CISCILVKTN[Arg701Ser]VLLVFEAKIP